The following is an entry in ClinVar:

ClinVar aggregate classification (germline): Likely benign. Review status: criteria provided, multiple submitters, no conflicts (2 of 4 stars). 2 submissions from 2 submitters: Likely benign (2). Last evaluated 2026-07-06.

Conditions:
Rhabdoid tumor predisposition syndrome 2 (RTPS2). Identifiers: Orphanet 231108, Orphanet 69077, MedGen C2750074, MONDO:0013224, OMIM 613325.

Allele frequency attached by ClinVar (database versions not stated): ExAC 0.00001; gnomAD 0.00001; gnomAD exomes below 0.00001 and 0.00001.
gnomAD v4.1: 21 of 1,613,812 alleles (0.0013%); highest among the groups gnomAD compares: Non-Finnish European, 0.0018%; no homozygotes.

Submissions (2):

Myriad Genetics, Inc.
Classification: Likely benign for Rhabdoid tumor predisposition syndrome 2. Last evaluated: 2026-07-06. Review status: criteria provided, single submitter. Criteria: Myriad Autosomal Dominant, Autosomal Recessive and X-Linked Classification Criteria (2023). Collection method: clinical testing. Allele origin: unknown.
Comment: This variant is considered likely benign. This variant is intronic and is not expected to impact mRNA splicing.

Labcorp Genetics (formerly Invitae), Labcorp
Classification: Likely benign for Rhabdoid tumor predisposition syndrome 2. Last evaluated: 2025-09-03. Review status: criteria provided, single submitter. Criteria: Invitae Variant Classification Sherloc (09022015). Collection method: clinical testing. Allele origin: germline.

NM_003072.5(SMARCA4):c.1119-10C>T

Gene: SMARCA4 (SWI/SNF related BAF chromatin remodeling complex subunit ATPase 4; plus strand). Cytogenetic location: 19p13.2.
Variant type: single nucleotide variant.
Coding change: c.1119-10C>T on transcript NM_003072.5 (MANE Select); 10 bases into the intron before coding-DNA position 1119, C replaced by T.
Molecular consequence: intron variant.
Genome position (GRCh38, 1-based): chr19:10,989,307, C>T. VCF-style: chr19-10989307-C-T. GRCh37 (hg19) VCF-style: chr19-11099983-C-T.
Other names: c.1119-10C>T (NM_001128844.3, NM_001128849.3, NM_001128847.4 and 5 more transcripts).
Identifiers: ClinVar variation 470229 (VCV000470229.12), dbSNP rs759026373, ClinGen allele CA9203700.